The following is an entry in ClinVar:

NM_153704.6(TMEM67):c.1697A>G (p.Tyr566Cys)

Gene: TMEM67 (transmembrane protein 67; plus strand). Cytogenetic location: 8q22.1.
Variant type: single nucleotide variant.
Coding change: c.1697A>G on transcript NM_153704.6 (MANE Select); coding-DNA position 1697, A replaced by G.
Protein change: p.Tyr566Cys; replaces tyrosine 566 with cysteine.
Molecular consequence: missense variant. On other transcripts: non-coding transcript variant (1).
Genome position (GRCh38, 1-based): chr8:93,795,431, A>G. VCF-style: chr8-93795431-A-G. GRCh37 (hg19) VCF-style: chr8-94807659-A-G.
Other names: c.1454A>G, p.Tyr485Cys (NM_001142301.1); short protein forms Y485C, Y566C.
Identifiers: ClinVar variation 2417588 (VCV002417588.5), dbSNP rs2536896582, ClinGen allele CA371692196.

ClinVar aggregate classification (germline): Uncertain significance (1 of 4 stars; one submission).

Conditions:
Joubert syndrome. Also called: CEREBELLOPARENCHYMAL DISORDER IV; JOUBERT-BOLTSHAUSER SYNDROME; Familial aplasia of the vermis. Identifiers: Orphanet 475, MedGen C5979921, MONDO:0018772.
Meckel-Gruber syndrome. Also called: DYSENCEPHALIA SPLANCHNOCYSTICA; GRUBER SYNDROME; Dysencephalia splachnocystica. Identifiers: Orphanet 564, MedGen C0265215, MONDO:0018921.

Allele frequency attached by ClinVar (database versions not stated): gnomAD exomes below 0.00001.
gnomAD v4.1: 1 of 1,614,034 alleles (0.000062%); highest among the groups gnomAD compares: Non-Finnish European, 0.000085%; no homozygotes.

Submission:

Labcorp Genetics (formerly Invitae), Labcorp
Classification: Uncertain significance for Joubert syndrome; Meckel-Gruber syndrome. Last evaluated: 2022-06-08. Review status: criteria provided, single submitter. Criteria: Invitae Variant Classification Sherloc (09022015). Collection method: clinical testing. Allele origin: germline.
Comment: This sequence change replaces tyrosine, which is neutral and polar, with cysteine, which is neutral and slightly polar, at codon 566 of the TMEM67 protein (p.Tyr566Cys). This variant is not present in population databases (gnomAD no frequency). This variant has not been reported in the literature in individuals affected with TMEM67-related conditions. Advanced modeling of protein sequence and biophysical properties (such as structural, functional, and spatial information, amino acid conservation, physicochemical variation, residue mobility, and thermodynamic stability) performed at Invitae indicates that this missense variant is expected to disrupt TMEM67 protein function. In summary, the available evidence is currently insufficient to determine the role of this variant in disease. Therefore, it has been classified as a Variant of Uncertain Significance.